The following is an entry in ClinVar:

ClinVar aggregate classification (germline): Uncertain significance (1 of 4 stars; one submission).

Conditions:
Inborn genetic diseases. Identifiers: MedGen C0950123, MeSH D030342.

gnomAD v4.1: 1 of 1,614,146 alleles (0.000062%); highest among the groups gnomAD compares: South Asian, 0.0011%; no homozygotes.

Submission:

Ambry Genetics
Classification: Uncertain significance for Inborn genetic diseases. Last evaluated: 2025-08-23. Review status: criteria provided, single submitter. Criteria: Ambry Variant Classification Scheme 2023. Collection method: clinical testing. Allele origin: germline.
Comment: The p.L180F variant (also known as c.538C>T), located in coding exon 5 of the FANCG gene, results from a C to T substitution at nucleotide position 538. The leucine at codon 180 is replaced by phenylalanine, an amino acid with highly similar properties. This amino acid position is conserved. In addition, this alteration is predicted to be tolerated by in silico analysis. Based on the available evidence, the clinical significance of this variant remains unclear.

NM_004629.2(FANCG):c.538C>T (p.Leu180Phe)

Gene: FANCG (FA complementation group G; minus strand). Cytogenetic location: 9p13.3.
Variant type: single nucleotide variant.
Coding change: c.538C>T on transcript NM_004629.2 (MANE Select); coding-DNA position 538, C replaced by T.
Protein change: p.Leu180Phe; replaces leucine 180 with phenylalanine.
Molecular consequence: missense variant.
Genome position (GRCh38, 1-based): chr9:35,077,372, G>A on the plus strand (C>T on the coding strand, the complement: FANCG is on the minus strand). VCF-style: chr9-35077372-G-A. GRCh37 (hg19) VCF-style: chr9-35077369-G-A.
Other names: short protein forms L180F.
Identifiers: ClinVar variation 4254483 (VCV004254483.1).